The following is an entry in ClinVar:

ClinVar aggregate classification (germline): Uncertain significance (1 of 4 stars; one submission).

Submission:

GeneDx
Classification: Uncertain significance. Last evaluated: 2024-10-28. Review status: criteria provided, single submitter. Criteria: GeneDx Variant Classification Process June 2021. Collection method: clinical testing. Allele origin: germline. Affected: yes.
Comment: Not observed at significant frequency in large population cohorts (gnomAD); In silico analysis supports that this missense variant has a deleterious effect on protein structure/function; Has not been previously published as pathogenic or benign to our knowledge

NM_014233.4(UBTF):c.618G>T (p.Trp206Cys)

Genes: ATXN7L3-AS1 (ATXN7L3 antisense RNA 1; plus strand), UBTF (upstream binding transcription factor; minus strand). Cytogenetic location: 17q21.31.
Variant type: single nucleotide variant.
Coding change: c.618G>T on transcript NM_014233.4 (MANE Select); coding-DNA position 618, G replaced by T.
Protein change: p.Trp206Cys; replaces tryptophan 206 with cysteine.
Molecular consequence: missense variant. On other transcripts: non-coding transcript variant (1).
Genome position (GRCh38, 1-based): chr17:44,212,861, C>A on the plus strand (G>T on the coding strand, the complement: UBTF is on the minus strand). VCF-style: chr17-44212861-C-A. GRCh37 (hg19) VCF-style: chr17-42290229-C-A.
Other names: c.618G>T, p.Trp206Cys (NM_001076683.2, NM_001076684.3); short protein forms W206C.
Identifiers: ClinVar variation 3893359 (VCV003893359.1).